The following is an entry in ClinVar:

ClinVar aggregate classification (germline): Uncertain significance. Review status: criteria provided, multiple submitters, no conflicts (2 of 4 stars). 2 submissions from 2 submitters: Uncertain significance (2). Last evaluated 2025-01-07.

Conditions:
Hereditary cancer-predisposing syndrome. Also called: Hereditary Cancer Syndrome; Tumor predisposition; Neoplastic Syndromes, Hereditary; Hereditary neoplastic syndrome. Identifiers: Orphanet 140162, MedGen C0027672, MeSH D009386, MONDO:0015356.

Allele frequency attached by ClinVar (database versions not stated): TOPMed below 0.00001; gnomAD 0.00002.
gnomAD v4.1: 3 of 1,613,680 alleles (0.00019%); highest among the groups gnomAD compares: African/African-American, 0.004%; no homozygotes.

Submissions (2):

Ambry Genetics
Classification: Uncertain significance for Hereditary cancer-predisposing syndrome. Last evaluated: 2025-01-07. Review status: criteria provided, single submitter. Criteria: Ambry Variant Classification Scheme 2023. Collection method: clinical testing. Allele origin: germline.
Comment: The p.A119E variant (also known as c.356C>A), located in coding exon 3 of the FH gene, results from a C to A substitution at nucleotide position 356. The alanine at codon 119 is replaced by glutamic acid, an amino acid with dissimilar properties. This amino acid position is highly conserved in available vertebrate species. In addition, this alteration is predicted to be deleterious by in silico analysis. Based on the available evidence, the clinical significance of this variant remains unclear.

Labcorp Genetics (formerly Invitae), Labcorp
Classification: Uncertain significance. Last evaluated: 2024-07-21. Review status: criteria provided, single submitter. Criteria: Invitae Variant Classification Sherloc (09022015). Collection method: clinical testing. Allele origin: germline.
Comment: This sequence change replaces alanine, which is neutral and non-polar, with glutamic acid, which is acidic and polar, at codon 119 of the FH protein (p.Ala119Glu). This variant is present in population databases (no rsID available, gnomAD 0.01%). This variant has not been reported in the literature in individuals affected with FH-related conditions. Advanced modeling of protein sequence and biophysical properties (such as structural, functional, and spatial information, amino acid conservation, physicochemical variation, residue mobility, and thermodynamic stability) performed at Invitae indicates that this missense variant is expected to disrupt FH protein function with a positive predictive value of 80%. In summary, the available evidence is currently insufficient to determine the role of this variant in disease. Therefore, it has been classified as a Variant of Uncertain Significance.

NM_000143.4(FH):c.356C>A (p.Ala119Glu)

Gene: FH (fumarate hydratase; minus strand). Cytogenetic location: 1q43.
Variant type: single nucleotide variant.
Coding change: c.356C>A on transcript NM_000143.4 (MANE Select); coding-DNA position 356, C replaced by A.
Protein change: p.Ala119Glu; replaces alanine 119 with glutamic acid.
Molecular consequence: missense variant.
Genome position (GRCh38, 1-based): chr1:241,513,625, G>T on the plus strand (C>A on the coding strand, the complement: FH is on the minus strand). VCF-style: chr1-241513625-G-T. GRCh37 (hg19) VCF-style: chr1-241676925-G-T.
Other names: short protein forms A119E.
Identifiers: ClinVar variation 2727552 (VCV002727552.4), dbSNP rs1395827785, ClinGen allele CA345440529.
Genomic context (GRCh38, chr1:241,513,625, plus strand): 5'-TCTGAGGTTATTAAGCAAACACACTTATCACCTCCTACCTCATCTGCTGCCTTCATTATT[G>T]CATTAGCAATCTTTGGATCAAGACCATAATCCTGGTTTACTTCAGCGGCCGCTCGCTTCA-3'
Protein context (NP_000134.2, residues 109-129): DYGLDPKIAN[Ala119Glu]IMKAADEVAE